The following is an entry in ClinVar:

NM_022489.4(INF2):c.-10G>C

Gene: INF2 (inverted formin 2; plus strand). Cytogenetic location: 14q32.33.
Variant type: single nucleotide variant.
Coding change: c.-10G>C on transcript NM_022489.4 (MANE Select); 10 bases upstream of the start codon, G replaced by C.
Molecular consequence: 5 prime UTR variant.
Genome position (GRCh38, 1-based): chr14:104,689,739, G>C. VCF-style: chr14-104689739-G-C. GRCh37 (hg19) VCF-style: chr14-105156076-G-C.
Other names: NC_000014.8:g.105156076G>C; c.-10G>C (NM_001031714.4, NM_032714.3).
Identifiers: ClinVar variation 385367 (VCV000385367.2), dbSNP rs115602636, ClinGen allele CA16606513.

ClinVar aggregate classification (germline): Likely benign (1 of 4 stars; one submission).

Submissions (2):

GeneDx
Classification: Likely benign. Last evaluated: 2016-04-14. Review status: criteria provided, single submitter. Criteria: GeneDx Variant Classification (06012015). Collection method: clinical testing. Allele origin: germline. Affected: yes.
Comment: This variant is considered likely benign or benign based on one or more of the following criteria: it is a conservative change, it occurs at a poorly conserved position in the protein, it is predicted to be benign by multiple in silico algorithms, and/or has population frequency not consistent with disease.

Dr. Peter K. Rogan Lab, Western University
No classification provided (evidence only). Condition: Ovarian serous cystadenocarcinoma. Review status: no classification provided. Collection method: in vitro. Allele origin: not applicable. Functional consequence: retained intron. Not counted in ClinVar's aggregate classification.